The following is an entry in ClinVar:

NM_001792.5(CDH2):c.70G>C (p.Glu24Gln)

Gene: CDH2 (cadherin 2; minus strand). Cytogenetic location: 18q12.1.
Variant type: single nucleotide variant.
Coding change: c.70G>C on transcript NM_001792.5 (MANE Select); coding-DNA position 70, G replaced by C.
Protein change: p.Glu24Gln; replaces glutamic acid 24 with glutamine.
Molecular consequence: missense variant.
Genome position (GRCh38, 1-based): chr18:28,147,775, C>G on the plus strand (G>C on the coding strand, the complement: CDH2 is on the minus strand). VCF-style: chr18-28147775-C-G. GRCh37 (hg19) VCF-style: chr18-25727739-C-G.
Other names: c.70G>C (NM_001792.3); short protein forms E24Q.
Identifiers: ClinVar variation 1445642 (VCV001445642.8), dbSNP rs146386375, ClinGen allele CA8923840.

ClinVar aggregate classification (germline): Conflicting classifications of pathogenicity. Review status: criteria provided, conflicting classifications (1 of 4 stars). 3 submissions from 3 submitters: Uncertain significance (1); Likely benign (2). Last evaluated 2026-01-12.

Conditions:
Inborn genetic diseases. Identifiers: MedGen C0950123, MeSH D030342.

Allele frequency attached by ClinVar (database versions not stated): gnomAD 0.00017; TOPMed 0.00017; gnomAD exomes 0.00021 and 0.00026; ExAC 0.00022; ESP Exome Variant Server 0.00031.
gnomAD v4.1: 397 of 1,590,136 alleles (0.025%); highest among the groups gnomAD compares: Non-Finnish European, 0.032%; no homozygotes.

Submissions (3):

Labcorp Genetics (formerly Invitae), Labcorp
Classification: Uncertain significance. Last evaluated: 2026-01-12. Review status: criteria provided, single submitter. Criteria: Invitae Variant Classification Sherloc (09022015). Collection method: clinical testing. Allele origin: germline.
Comment: This sequence change replaces glutamic acid, which is acidic and polar, with glutamine, which is neutral and polar, at codon 24 of the CDH2 protein (p.Glu24Gln). This variant is present in population databases (rs146386375, gnomAD 0.04%), and has an allele count higher than expected for a pathogenic variant. This variant has not been reported in the literature in individuals affected with CDH2-related conditions. ClinVar contains an entry for this variant (Variation ID: 1445642). An algorithm developed to predict the effect of missense changes on protein structure and function (PolyPhen-2) suggests that this variant is likely to be tolerated. In summary, the available evidence is currently insufficient to determine the role of this variant in disease. Therefore, it has been classified as a Variant of Uncertain Significance.

Blueprint Genetics
Classification: Likely benign. Last evaluated: 2024-10-14. Review status: criteria provided, single submitter. Criteria: ACMG Guidelines, 2015. Collection method: clinical testing. Allele origin: germline.

Ambry Genetics
Classification: Likely benign for Inborn genetic diseases. Last evaluated: 2023-08-23. Review status: criteria provided, single submitter. Criteria: Ambry Variant Classification Scheme 2023. Collection method: clinical testing. Allele origin: germline.